The following is an entry in ClinVar:

NM_001378030.1(CCDC78):c.1106C>T (p.Ala369Val)

Gene: CCDC78 (coiled-coil domain containing 78; minus strand). Cytogenetic location: 16p13.3.
Variant type: single nucleotide variant.
Coding change: c.1106C>T on transcript NM_001378030.1 (MANE Select); coding-DNA position 1106, C replaced by T.
Protein change: p.Ala369Val; replaces alanine 369 with valine.
Molecular consequence: missense variant. On other transcripts: non-coding transcript variant (5), intron variant (1).
Genome position (GRCh38, 1-based): chr16:723,884, G>A on the plus strand (C>T on the coding strand, the complement: CCDC78 is on the minus strand). VCF-style: chr16-723884-G-A. GRCh37 (hg19) VCF-style: chr16-773884-G-A.
Other names: c.1106C>T, p.Ala369Val (NM_001031737.3); c.539C>T, p.Ala180Val (NM_001378033.1); c.953+438C>T (NM_001378031.1); short protein forms A180V, A369V.
Identifiers: ClinVar variation 4782082 (VCV004782082.1).
Genomic context (GRCh38, chr16:723,884, plus strand): 5'-ACAGGCCTCCCCCACACCCATGAGGGCACTCACTGTGGCTCTGATGTTCCCCCCTGGGAG[G>A]CTCCACCGGGTCTCTTTTTTGGGGATGAGAGCAGTGCCCCAGGCCCGCCGTGCTACAGAG-3'
Protein context (NP_001364959.1, residues 359-379): LSSPKKRPGG[Ala369Val]SQGGTSEPQG

ClinVar aggregate classification (germline): Uncertain significance (1 of 4 stars; one submission).

Conditions:
Congenital myopathy with internal nuclei and atypical cores. Also called: Myopathy, centronuclear, 4. Identifiers: Orphanet 319160, MedGen C4707232, MONDO:0013890, OMIM 614807.

gnomAD v4.1: 5 of 1,597,810 alleles (0.00031%); highest among the groups gnomAD compares: South Asian, 0.0056%; no homozygotes.

Submission:

Labcorp Genetics (formerly Invitae), Labcorp
Classification: Uncertain significance for Congenital myopathy with internal nuclei and atypical cores. Last evaluated: 2025-11-08. Review status: criteria provided, single submitter. Criteria: Invitae Variant Classification Sherloc (09022015). Collection method: clinical testing. Allele origin: germline.
Comment: This sequence change replaces alanine, which is neutral and non-polar, with valine, which is neutral and non-polar, at codon 369 of the CCDC78 protein (p.Ala369Val). The frequency data for this variant in the population databases is considered unreliable, as metrics indicate poor data quality at this position in the gnomAD database. This variant has not been reported in the literature in individuals affected with CCDC78-related conditions. Invitae Evidence Modeling of protein sequence and biophysical properties (such as structural, functional, and spatial information, amino acid conservation, physicochemical variation, residue mobility, and thermodynamic stability) indicates that this missense variant is not expected to disrupt CCDC78 protein function with a negative predictive value of 80%. In summary, the available evidence is currently insufficient to determine the role of this variant in disease. Therefore, it has been classified as a Variant of Uncertain Significance.